The following is an entry in ClinVar:

ClinVar aggregate classification (germline): Likely benign. Review status: criteria provided, multiple submitters, no conflicts (2 of 4 stars). 2 submissions from 2 submitters: Likely benign (2). Last evaluated 2024-08-01.

Conditions:
Inborn genetic diseases. Identifiers: MedGen C0950123, MeSH D030342.

Allele frequency attached by ClinVar (database versions not stated): ExAC 0.00009.

Submissions (2):

CeGaT Center for Human Genetics Tuebingen
Classification: Likely benign. Last evaluated: 2024-08-01. Review status: criteria provided, single submitter. Criteria: CeGaT Center For Human Genetics Tuebingen Variant Classification Criteria Version 2. Collection method: clinical testing. Allele origin: germline. Affected: yes. Observed: 2 variant alleles.
Comment: NBEA: BS2

Ambry Genetics
Classification: Likely benign for Inborn genetic diseases. Last evaluated: 2023-04-26. Review status: criteria provided, single submitter. Criteria: Ambry Variant Classification Scheme 2023. Collection method: clinical testing. Allele origin: germline.

NM_001385012.1(NBEA):c.118A>G (p.Ser40Gly)

Gene: NBEA (neurobeachin; plus strand). Cytogenetic location: 13q13.3.
Variant type: single nucleotide variant.
Coding change: c.118A>G on transcript NM_001385012.1 (MANE Select); coding-DNA position 118, A replaced by G.
Protein change: p.Ser40Gly; replaces serine 40 with glycine.
Molecular consequence: missense variant.
Genome position (GRCh38, 1-based): chr13:34,942,938, A>G. VCF-style: chr13-34942938-A-G. GRCh37 (hg19) VCF-style: chr13-35517075-A-G.
Other names: c.118A>G, p.Ser40Gly (NM_001379245.1, NM_015678.5); short protein forms S40G.
Identifiers: ClinVar variation 2523121 (VCV002523121.27), dbSNP rs765235867, ClinGen allele CA6945995.
Genomic context (GRCh38, chr13:34,942,938, plus strand): 5'-ATTGCCGTCGGGGCCGCTGGCGGAGGCGGCGGGGGCAGCGGTGGTGGCGGCACCGGGGGC[A>G]GCGGGATGGGGGAGCTAAGGGGGGCGTCCGGCTCCGGCTCGGTGATGCTCCCCGCGGGGA-3'
Protein context (NP_001371941.1, residues 30-50): GGSGGGGTGG[Ser40Gly]GMGELRGASG